The following is an entry in ClinVar:

ClinVar aggregate classification (germline): Benign/Likely benign. Review status: criteria provided, multiple submitters, no conflicts (2 of 4 stars). 8 submissions from 8 submitters: Benign (5); Likely benign (3). Last evaluated 2026-09-01.

Conditions:
Developmental and epileptic encephalopathy, 33 (DEE33). Also called: Epileptic encephalopathy, early infantile, 33. Identifiers: Orphanet 442835, MedGen C4225337, MONDO:0014625, OMIM 616409.
Inborn genetic diseases. Identifiers: MedGen C0950123, MeSH D030342.

Allele frequency attached by ClinVar (database versions not stated): 1000 Genomes Project 30x 0.00187; 1000 Genomes Project 0.00220; gnomAD 0.00299; ESP Exome Variant Server 0.00340; TOPMed 0.00397.
gnomAD v4.1: 9,233 of 1,478,522 alleles (0.62%); highest among the groups gnomAD compares: Non-Finnish European, 0.76%; 42 homozygotes.

Submissions (8):

CeGaT Center for Human Genetics Tuebingen
Classification: Likely benign. Last evaluated: 2026-09-01. Review status: criteria provided, single submitter. Criteria: CeGaT Center For Human Genetics Tuebingen Variant Classification Criteria Version 2. Collection method: clinical testing. Allele origin: germline. Affected: yes. Observed: 50 variant alleles.
Comment: EEF1A2: BP4, BP7, BS2

Labcorp Genetics (formerly Invitae), Labcorp
Classification: Benign for Developmental and epileptic encephalopathy, 33. Last evaluated: 2026-02-02. Review status: criteria provided, single submitter. Criteria: Invitae Variant Classification Sherloc (09022015). Collection method: clinical testing. Allele origin: germline.

ARUP Laboratories, Molecular Genetics and Genomics, ARUP Laboratories
Classification: Benign. Last evaluated: 2025-03-06. Review status: criteria provided, single submitter. Criteria: ARUP Molecular Germline Variant Investigation Process 2024. Collection method: clinical testing. Allele origin: germline.

Athena Diagnostics
Classification: Benign. Last evaluated: 2025-02-26. Review status: criteria provided, single submitter. Criteria: Athena Diagnostics Criteria. Collection method: clinical testing. Allele origin: unknown.
Comment: The frequency of this variant in the general population is higher than would generally be expected for pathogenic variants in this gene. Computational tools yielded predictions that this variant is unlikely to have an effect on normal RNA splicing. This nucleotide position exhibits low evolutionary conservation.

Blueprint Genetics
Classification: Likely benign. Last evaluated: 2024-11-28. Review status: criteria provided, single submitter. Criteria: ACMG Guidelines, 2015. Collection method: clinical testing. Allele origin: germline.

Mayo Clinic Laboratories, Mayo Clinic
Classification: Benign. Last evaluated: 2023-11-15. Review status: criteria provided, single submitter. Criteria: ACMG Guidelines, 2015. Collection method: clinical testing. Allele origin: germline. Observed: 3 variant alleles.
Comment: BS1, BS2, BP4, BP7

Ambry Genetics
Classification: Likely benign for Inborn genetic diseases. Last evaluated: 2016-06-14. Review status: criteria provided, single submitter. Criteria: Ambry Variant Classification Scheme 2023. Collection method: clinical testing. Allele origin: germline.

GeneDx
Classification: Benign. Last evaluated: 2016-03-06. Review status: criteria provided, single submitter. Criteria: GeneDx Variant Classification (06012015). Collection method: clinical testing. Allele origin: germline. Affected: yes.
Comment: This variant is considered likely benign or benign based on one or more of the following criteria: it is a conservative change, it occurs at a poorly conserved position in the protein, it is predicted to be benign by multiple in silico algorithms, and/or has population frequency not consistent with disease.

NM_001958.5(EEF1A2):c.1296G>A (p.Thr432=)

Gene: EEF1A2 (eukaryotic translation elongation factor 1 alpha 2; minus strand). Cytogenetic location: 20q13.33.
Variant type: single nucleotide variant.
Coding change: c.1296G>A on transcript NM_001958.5 (MANE Select); coding-DNA position 1296, G replaced by A.
Protein change: p.Thr432=; no amino-acid change (threonine 432 retained).
Molecular consequence: synonymous variant.
Genome position (GRCh38, 1-based): chr20:63,488,394, C>T on the plus strand (G>A on the coding strand, the complement: EEF1A2 is on the minus strand). VCF-style: chr20-63488394-C-T. GRCh37 (hg19) VCF-style: chr20-62119747-C-T.
Other names: p.Thr432=.
Identifiers: ClinVar variation 383889 (VCV000383889.49), dbSNP rs200259257, ClinGen allele CA9958918.